The following is an entry in ClinVar:

ClinVar aggregate classification (germline): Uncertain significance (1 of 4 stars; one submission).

Submissions (2):

GeneDx
Classification: Uncertain significance. Last evaluated: 2025-08-16. Review status: criteria provided, single submitter. Criteria: GeneDx Variant Classification Process June 2021. Collection method: clinical testing. Allele origin: germline. Affected: yes.
Comment: Not observed at significant frequency in large population cohorts (gnomAD); In silico analysis suggests that this missense variant does not alter protein structure/function; Has not been previously published as pathogenic or benign to our knowledge

Dr. Peter K. Rogan Lab, Western University
No classification provided (evidence only). Condition: Nonpapillary renal cell carcinoma. Review status: no classification provided. Collection method: in vitro. Allele origin: not applicable. Functional consequence: retained intron. Not counted in ClinVar's aggregate classification.

NM_002024.6(FMR1):c.1036G>A (p.Gly346Arg)

Gene: FMR1 (fragile X messenger ribonucleoprotein 1; plus strand). Cytogenetic location: Xq27.3.
Variant type: single nucleotide variant.
Coding change: c.1036G>A on transcript NM_002024.6 (MANE Select); coding-DNA position 1036, G replaced by A.
Protein change: p.Gly346Arg; replaces glycine 346 with arginine.
Molecular consequence: missense variant. On other transcripts: non-coding transcript variant (2).
Genome position (GRCh38, 1-based): chrX:147,937,511, G>A. VCF-style: chrX-147937511-G-A. GRCh37 (hg19) VCF-style: chrX-147019030-G-A.
Other names: NC_000023.10:g.147019030G>A; c.1036G>A (NM_002024.4); c.1036G>A, p.Gly346Arg (NM_001185075.2, NM_001185076.2, NM_001185081.2 and 1 more transcripts); short protein forms G346R.
Identifiers: ClinVar variation 4475000 (VCV004475000.2).
Genomic context (GRCh38, chrX:147,937,511, plus strand): 5'-CTGTTTTTTACCAAGGAAATTATGCCACCAAATTCCCTTCCTTCCAATAATTCAAGGGTT[G>A]GACCTAATGCCCCAGAAGAAAAAAAACATTTAGATATAAAGGAAAACAGCACCCATTTTT-3'
Protein context (NP_002015.1, residues 336-356): NSLPSNNSRV[Gly346Arg]PNAPEEKKHL